The following is an entry in ClinVar:

ClinVar aggregate classification (germline): Uncertain significance (1 of 4 stars; one submission).

gnomAD v4.1: 35 of 1,609,012 alleles (0.0022%); highest among the groups gnomAD compares: African/African-American, 0.042%; no homozygotes.

Submission:

Women's Health and Genetics/Laboratory Corporation of America, LabCorp
Classification: Uncertain significance. Last evaluated: 2026-04-14. Review status: criteria provided, single submitter. Criteria: LabCorp Variant Classification Summary - May 2015. Collection method: clinical testing. Allele origin: germline.
Comment: Variant summary: RPS23 c.4+6C>T alters a conserved nucleotide located close to a canonical splice site and therefore could affect mRNA splicing, leading to a significantly altered protein sequence. Consensus agreement among computation tools predict no significant impact on normal splicing. However, these predictions have yet to be confirmed by functional studies. The variant allele was found at a frequency of 1.7e-05 in 238626 control chromosomes. The available data on variant occurrences in the general population are insufficient to allow any conclusion about variant significance. To our knowledge, no occurrence of c.4+6C>T in individuals affected with RPS23-related conditions and no experimental evidence demonstrating its impact on protein function have been reported. No submitters have cited clinical-significance assessments for this variant to ClinVar. Based on the evidence outlined above, the variant was classified as uncertain significance.

NM_001025.5(RPS23):c.4+6C>T

Gene: RPS23 (ribosomal protein S23; minus strand). Cytogenetic location: 5q14.2.
Variant type: single nucleotide variant.
Coding change: c.4+6C>T on transcript NM_001025.5 (MANE Select); 6 bases into the intron after coding-DNA position 4, C replaced by T.
Molecular consequence: intron variant.
Genome position (GRCh38, 1-based): chr5:82,278,314, G>A on the plus strand (C>T on the coding strand, the complement: RPS23 is on the minus strand). VCF-style: chr5-82278314-G-A. GRCh37 (hg19) VCF-style: chr5-81574133-G-A.
Identifiers: ClinVar variation 4848593 (VCV004848593.1).